The following is an entry in ClinVar:

ClinVar aggregate classification (germline): Conflicting classifications of pathogenicity. Review status: criteria provided, conflicting classifications (1 of 4 stars). 4 submissions from 4 submitters: Uncertain significance (1); Likely benign (2). 1 of the submissions does not count toward it. Last evaluated 2025-10-02.

Conditions:
LAMB1-related disorder. Also called: LAMB1-related condition.

Allele frequency attached by ClinVar (database versions not stated): TOPMed 0.00003.
gnomAD v4.1: 80 of 1,613,196 alleles (0.005%); highest among the groups gnomAD compares: Non-Finnish European, 0.0065%; no homozygotes.

Submissions (4):

Labcorp Genetics (formerly Invitae), Labcorp
Classification: Likely benign. Last evaluated: 2025-10-02. Review status: criteria provided, single submitter. Criteria: Invitae Variant Classification Sherloc (09022015). Collection method: clinical testing. Allele origin: germline.

GeneDx
Classification: Likely benign. Last evaluated: 2021-06-17. Review status: criteria provided, single submitter. Criteria: GeneDx Variant Classification Process June 2021. Collection method: clinical testing. Allele origin: germline. Affected: yes.

Genetic Services Laboratory, University of Chicago
Classification: Uncertain significance. Last evaluated: 2015-04-13. Review status: criteria provided, single submitter. Criteria: ACMG Guidelines, 2015. Collection method: clinical testing. Allele origin: germline.

PreventionGenetics, part of Exact Sciences
Classification: Likely benign for LAMB1-related condition. Last evaluated: 2024-01-17. Review status: no assertion criteria provided. Collection method: clinical testing. Allele origin: germline. Not counted in ClinVar's aggregate classification.
Comment: This variant is classified as likely benign based on ACMG/AMP sequence variant interpretation guidelines (Richards et al. 2015 PMID: 25741868, with internal and published modifications).

NM_002291.3(LAMB1):c.1422C>G (p.Ser474=)

Gene: LAMB1 (laminin subunit beta 1; minus strand). Cytogenetic location: 7q31.1.
Variant type: single nucleotide variant.
Coding change: c.1422C>G on transcript NM_002291.3 (MANE Select); coding-DNA position 1422, C replaced by G.
Protein change: p.Ser474=; no amino-acid change (serine 474 retained).
Molecular consequence: synonymous variant.
Genome position (GRCh38, 1-based): chr7:107,975,046, G>C on the plus strand (C>G on the coding strand, the complement: LAMB1 is on the minus strand). VCF-style: chr7-107975046-G-C. GRCh37 (hg19) VCF-style: chr7-107615491-G-C.
Identifiers: ClinVar variation 211356 (VCV000211356.18), dbSNP rs780369106, ClinGen allele CA205727.
Genomic context (GRCh38, chr7:107,975,046, plus strand): 5'-CAGGCACTGGTCACAATGCTGTCCTGTCACCAGACGCTTGCAGTAGCAGTGACCTGTCTC[G>C]GAATCACAAGGATTCCCTCCAGGAATTGTTCCCAGAGGATTGCAAGCACAAGCTGTATTA-3'
Protein context (NP_002282.2, residues 464-484): GTIPGGNPCD[Ser474=]ETGHCYCKRL